The following is an entry in ClinVar:

ClinVar aggregate classification (germline): Likely benign. Review status: criteria provided, multiple submitters, no conflicts (2 of 4 stars). 5 submissions from 5 submitters: Likely benign (4). 1 of the submissions does not count toward it. Last evaluated 2026-01-04.

Conditions:
SOS2-related disorder. Also called: SOS2-related condition.
Cardiovascular phenotype. Identifiers: MedGen CN230736.
Noonan syndrome 9 (NS9). Identifiers: Orphanet 648, MedGen C4225282, MONDO:0014691, OMIM 616559.

Allele frequency attached by ClinVar (database versions not stated): gnomAD exomes 0.00002 and 0.00006; ExAC 0.00007; ESP Exome Variant Server 0.00016; TOPMed 0.00032; gnomAD 0.00038; 1000 Genomes Project 0.00060; 1000 Genomes Project 30x 0.00062.
gnomAD v4.1: 74 of 1,385,096 alleles (0.0053%); highest among the groups gnomAD compares: African/African-American, 0.11%; no homozygotes.

Submissions (5):

Labcorp Genetics (formerly Invitae), Labcorp
Classification: Likely benign for Noonan syndrome 9. Last evaluated: 2026-01-04. Review status: criteria provided, single submitter. Criteria: Invitae Variant Classification Sherloc (09022015). Collection method: clinical testing. Allele origin: germline.

Mayo Clinic Laboratories, Mayo Clinic
Classification: Likely benign. Last evaluated: 2025-05-19. Review status: criteria provided, single submitter. Criteria: ACMG Guidelines, 2015. Collection method: clinical testing. Allele origin: germline. Observed: 1 variant allele.
Comment: BS1, BP4_moderate

Ambry Genetics
Classification: Likely benign for Cardiovascular phenotype. Last evaluated: 2022-05-05. Review status: criteria provided, single submitter. Criteria: Ambry Variant Classification Scheme 2023. Collection method: clinical testing. Allele origin: germline.

Genome-Nilou Lab
Classification: Likely benign for Noonan syndrome 9. Review status: criteria provided, single submitter. Criteria: ACMG Guidelines, 2015. Collection method: clinical testing. Allele origin: germline.

PreventionGenetics, part of Exact Sciences
Classification: Likely benign for SOS2-related condition. Last evaluated: 2022-03-28. Review status: no assertion criteria provided. Collection method: clinical testing. Allele origin: germline. Not counted in ClinVar's aggregate classification.
Comment: This variant is classified as likely benign based on ACMG/AMP sequence variant interpretation guidelines (Richards et al. 2015 PMID: 25741868, with internal and published modifications).

NM_006939.4(SOS2):c.3503C>A (p.Ser1168Tyr)

Gene: SOS2 (SOS Ras/Rho guanine nucleotide exchange factor 2; minus strand). Cytogenetic location: 14q21.3.
Variant type: single nucleotide variant.
Coding change: c.3503C>A on transcript NM_006939.4 (MANE Select); coding-DNA position 3503, C replaced by A.
Protein change: p.Ser1168Tyr; replaces serine 1168 with tyrosine.
Molecular consequence: missense variant.
Genome position (GRCh38, 1-based): chr14:50,118,840, G>T on the plus strand (C>A on the coding strand, the complement: SOS2 is on the minus strand). VCF-style: chr14-50118840-G-T. GRCh37 (hg19) VCF-style: chr14-50585558-G-T.
Other names: p.Ser1168Tyr; c.3503C>A (NM_006939.3); short protein forms S1168Y.
Identifiers: ClinVar variation 475753 (VCV000475753.18), dbSNP rs143166880, ClinGen allele CA7176765.